The following is an entry in ClinVar:

NM_207361.6(FREM2):c.5503G>T (p.Ala1835Ser)

Gene: FREM2 (FRAS1 related extracellular matrix 2; plus strand). Cytogenetic location: 13q13.3.
Variant type: single nucleotide variant.
Coding change: c.5503G>T on transcript NM_207361.6 (MANE Select); coding-DNA position 5503, G replaced by T.
Protein change: p.Ala1835Ser; replaces alanine 1835 with serine.
Molecular consequence: missense variant.
Genome position (GRCh38, 1-based): chr13:38,769,670, G>T. VCF-style: chr13-38769670-G-T. GRCh37 (hg19) VCF-style: chr13-39343807-G-T.
Other names: short protein forms A1835S.
Identifiers: ClinVar variation 4026684 (VCV004026684.2).
Genomic context (GRCh38, chr13:38,769,670, plus strand): 5'-GACAAAGACTTCAAGGGCAAAGCACAGAAACAAGTGCAGTTCAACCCAGGCCAGACCAGG[G>T]CCACATGGCGAGTGCGGATCCTGAGTGATGGGGAGCATGAGCAGTCTGAAACCTTTCAGG-3'
Protein context (NP_997244.4, residues 1825-1845): QVQFNPGQTR[Ala1835Ser]TWRVRILSDG

ClinVar aggregate classification (germline): Uncertain significance. Review status: criteria provided, multiple submitters, no conflicts (2 of 4 stars). 2 submissions from 2 submitters: Uncertain significance (2). Last evaluated 2026-04-15.

Conditions:
Inborn genetic diseases. Identifiers: MedGen C0950123, MeSH D030342.

gnomAD v4.1: 8 of 1,614,154 alleles (0.0005%); highest among the groups gnomAD compares: South Asian, 0.0088%; no homozygotes.

Submissions (2):

GeneDx
Classification: Uncertain significance. Last evaluated: 2026-04-15. Review status: criteria provided, single submitter. Criteria: GeneDx Variant Classification Process June 2021. Collection method: clinical testing. Allele origin: germline.
Comment: In silico analysis suggests that this missense variant does not alter protein structure/function; Has not been previously published as pathogenic or benign to our knowledge

Ambry Genetics
Classification: Uncertain significance for Inborn genetic diseases. Last evaluated: 2025-05-18. Review status: criteria provided, single submitter. Criteria: Ambry Variant Classification Scheme 2023. Collection method: clinical testing. Allele origin: germline.